The following is an entry in ClinVar:

NM_206923.4(YY2):c.733A>G (p.Arg245Gly)

Genes: MBTPS2 (membrane bound transcription factor peptidase, site 2; plus strand), YY2 (YY2 transcription factor; plus strand). Cytogenetic location: Xp22.12.
Variant type: single nucleotide variant.
Coding change: c.733A>G on transcript NM_206923.4 (MANE Select); coding-DNA position 733, A replaced by G.
Protein change: p.Arg245Gly; replaces arginine 245 with glycine.
Molecular consequence: missense variant. On other transcripts: intron variant (1).
Genome position (GRCh38, 1-based): chrX:21,857,217, A>G. VCF-style: chrX-21857217-A-G. GRCh37 (hg19) VCF-style: chrX-21875335-A-G.
Other names: c.670+3714A>G (NM_015884.4); short protein forms R245G.
Identifiers: ClinVar variation 4873947 (VCV004873947.2).

ClinVar aggregate classification (germline): Likely benign (1 of 4 stars; one submission).

gnomAD v4.1: 10 of 1,211,979 alleles (0.00083%); highest among the groups gnomAD compares: Non-Finnish European, 0.001%; no homozygotes.

Submission:

CeGaT Center for Human Genetics Tuebingen
Classification: Likely benign. Last evaluated: 2026-06-01. Review status: criteria provided, single submitter. Criteria: CeGaT Center For Human Genetics Tuebingen Variant Classification Criteria Version 2. Collection method: clinical testing. Allele origin: germline. Affected: yes. Observed: 1 variant allele.
Comment: YY2: BP4, BS2